The following is an entry in ClinVar:

ClinVar aggregate classification (germline): Uncertain significance (1 of 4 stars; one submission).

Conditions:
Cardiovascular phenotype. Identifiers: MedGen CN230736.

Submission:

Ambry Genetics
Classification: Uncertain significance for Cardiovascular phenotype. Last evaluated: 2025-05-24. Review status: criteria provided, single submitter. Criteria: Ambry Variant Classification Scheme 2023. Collection method: clinical testing. Allele origin: germline.
Comment: The p.A206T variant (also known as c.616G>A), located in coding exon 2 of the JPH2 gene, results from a G to A substitution at nucleotide position 616. The alanine at codon 206 is replaced by threonine, an amino acid with similar properties. This amino acid position is conserved. In addition, this alteration is predicted to be tolerated by in silico analysis. Based on the available evidence, the clinical significance of this variant remains unclear.

NM_020433.5(JPH2):c.616G>A (p.Ala206Thr)

Gene: JPH2 (junctophilin 2; minus strand). Cytogenetic location: 20q13.12.
Variant type: single nucleotide variant.
Coding change: c.616G>A on transcript NM_020433.5 (MANE Select); coding-DNA position 616, G replaced by A.
Protein change: p.Ala206Thr; replaces alanine 206 with threonine.
Molecular consequence: missense variant.
Genome position (GRCh38, 1-based): chr20:44,160,171, C>T on the plus strand (G>A on the coding strand, the complement: JPH2 is on the minus strand). VCF-style: chr20-44160171-C-T. GRCh37 (hg19) VCF-style: chr20-42788811-C-T.
Other names: short protein forms A206T.
Identifiers: ClinVar variation 4040911 (VCV004040911.1).
Genomic context (GRCh38, chr20:44,160,171, plus strand): 5'-GCGCGCCCCGCTGGAAGAGGCCGCCGCCCTTGGGCGCCCGCGCGGCCGCCTCGGCATTGG[C>T]CAGGAGGCTGAGCGCGAAGCCGCCACGCGGGATGGCGGGCGAGGGCAGCGCGGGGCCGTC-3'
Protein context (NP_065166.2, residues 196-216): PRGGFALSLL[Ala206Thr]NAEAAARAPK